The following is an entry in ClinVar:

NM_000540.3(RYR1):c.8893C>T (p.Arg2965Cys)

Gene: RYR1 (ryanodine receptor 1; plus strand). Cytogenetic location: 19q13.2.
Variant type: single nucleotide variant.
Coding change: c.8893C>T on transcript NM_000540.3 (MANE Select); coding-DNA position 8893, C replaced by T.
Protein change: p.Arg2965Cys; replaces arginine 2965 with cysteine.
Molecular consequence: missense variant.
Genome position (GRCh38, 1-based): chr19:38,507,788, C>T. VCF-style: chr19-38507788-C-T. GRCh37 (hg19) VCF-style: chr19-38998428-C-T.
Other names: c.8893C>T, p.Arg2965Cys (NM_001042723.2); short protein forms R2965C.
Identifiers: ClinVar variation 3730771 (VCV003730771.3).
Genomic context (GRCh38, chr19:38,507,788, plus strand): 5'-GAACTGGACTCGTCTTCCATTGAAAAGCGGTTTGCCTTTGGCTTCCTGCAGCAGCTGCTG[C>T]GCTGGATGGACATTTCTCAGGAGTTCATTGCCCACCTGGGTACGGAGAAATACCCCCCGC-3'
Protein context (NP_000531.2, residues 2955-2975): FAFGFLQQLL[Arg2965Cys]WMDISQEFIA

ClinVar aggregate classification (germline): Uncertain significance. Review status: criteria provided, multiple submitters, no conflicts (2 of 4 stars). 2 submissions from 2 submitters: Uncertain significance (2). Last evaluated 2024-11-22.

Conditions:
Malignant hyperthermia, susceptibility to, 1 (MHS1). Also called: Anesthesia related hyperthermia; Malignant hyperpyrexia; Fulminating hyperpyrexia; Pharmacogenic myopathy; Malignant hyperthermia suceptibility 1; RYR1-Related Malignant Hyperthermia Susceptibility. Identifiers: Orphanet 423, MedGen C2930980, MONDO:0007783, OMIM 145600.
RYR1-related disorder. Also called: RYR1-related condition; RYR1-related disorders. Identifiers: MedGen CN239331.

Submissions (2):

Labcorp Genetics (formerly Invitae), Labcorp
Classification: Uncertain significance for RYR1-related disorder. Last evaluated: 2024-11-22. Review status: criteria provided, single submitter. Criteria: Invitae Variant Classification Sherloc (09022015). Collection method: clinical testing. Allele origin: germline.
Comment: This sequence change replaces arginine, which is basic and polar, with cysteine, which is neutral and slightly polar, at codon 2965 of the RYR1 protein (p.Arg2965Cys). This variant is present in population databases (no rsID available, gnomAD 0.0009%). This variant has not been reported in the literature in individuals affected with RYR1-related conditions. Invitae Evidence Modeling of protein sequence and biophysical properties (such as structural, functional, and spatial information, amino acid conservation, physicochemical variation, residue mobility, and thermodynamic stability) indicates that this missense variant is not expected to disrupt RYR1 protein function with a negative predictive value of 80%. In summary, the available evidence is currently insufficient to determine the role of this variant in disease. Therefore, it has been classified as a Variant of Uncertain Significance.

Color Diagnostics, LLC DBA Color Health
Classification: Uncertain significance for Malignant hyperthermia, susceptibility to, 1. Last evaluated: 2023-11-09. Review status: criteria provided, single submitter. Criteria: ACMG Guidelines, 2015. Collection method: clinical testing. Allele origin: germline.
Comment: This missense variant replaces arginine with cysteine at codon 2965 of the RYR1 protein. Computational prediction suggests that this variant may not impact protein structure and function. To our knowledge, functional studies have not been reported for this variant. This variant has not been reported in individuals affected with RYR1-related disorders in the literature. This variant has been identified in 1/251484 chromosomes in the general population by the Genome Aggregation Database (gnomAD). The available evidence is insufficient to determine the role of this variant in disease conclusively. Therefore, this variant is classified as a Variant of Uncertain Significance.